The following is an entry in ClinVar:

NM_001009944.3(PKD1):c.1067C>T (p.Pro356Leu)

Gene: PKD1 (polycystin 1, transient receptor potential channel interacting; minus strand). Cytogenetic location: 16p13.3.
Variant type: single nucleotide variant.
Coding change: c.1067C>T on transcript NM_001009944.3 (MANE Select); coding-DNA position 1067, C replaced by T.
Protein change: p.Pro356Leu; replaces proline 356 with leucine.
Molecular consequence: missense variant.
Genome position (GRCh38, 1-based): chr16:2,117,925, G>A on the plus strand (C>T on the coding strand, the complement: PKD1 is on the minus strand). VCF-style: chr16-2117925-G-A. GRCh37 (hg19) VCF-style: chr16-2167926-G-A.
Other names: c.1067C>T, p.Pro356Leu (NM_000296.4); short protein forms P356L.
Identifiers: ClinVar variation 3579791 (VCV003579791.3).

ClinVar aggregate classification (germline): Uncertain significance. Review status: criteria provided, multiple submitters, no conflicts (2 of 4 stars). 2 submissions from 2 submitters: Uncertain significance (2). Last evaluated 2025-03-25.

Conditions:
Polycystic kidney disease, adult type (PKD1). Also called: Polycystic Kidney Disease 1, Autosomal Dominant; Polycystic kidney disease 1; Polycystic kidney disease 1, severe; Polycystic Kidney, Autosomal Dominant; POLYCYSTIC KIDNEY DISEASE, ADULT, TYPE I; POLYCYSTIC KIDNEY DISEASE 1 WITH OR WITHOUT POLYCYSTIC LIVER DISEASE. Identifiers: MedGen C3149841, MONDO:0008263, OMIM 173900.

gnomAD v4.1: 8 of 1,328,248 alleles (0.0006%); highest among the groups gnomAD compares: Non-Finnish European, 0.00073%; no homozygotes.

Submissions (2):

Victorian Clinical Genetics Services, Murdoch Childrens Research Institute
Classification: Uncertain significance for Polycystic kidney disease, adult type. Last evaluated: 2025-03-25. Review status: criteria provided, single submitter. Criteria: ACMG Guidelines, 2015. Collection method: clinical testing. Allele origin: germline. Affected: yes.
Comment: This variant is classified as VUS-3B. Evidence in support of pathogenic classification: Variant is present in gnomAD <0.001 for a dominant condition (v4: 8 heterozygote(s), 0 homozygote(s)). Additional information: Variant is predicted to result in a missense amino acid change from proline to leucine; This variant is heterozygous; This gene is associated with autosomal dominant disease. Polycystic kidney disease 1 (MIM#173900) is predominantly caused by monoallelic variants, with rare reports of biallelic variants causing disease (OMIM); Previous evidence of pathogenicity for this variant is inconclusive. This variant has been classified as a VUS by a clinical laboratory in ClinVar; No published segregation evidence has been identified for this variant; No published functional evidence has been identified for this variant; No comparable missense variants have previous evidence for pathogenicity; Variant is not located in an established domain, motif, hotspot or informative constraint region; Missense variant with inconclusive in silico prediction and uninformative conservation; Loss of function is a known mechanism of disease in this gene and is associated with polycystic kidney disease 1 (MIM#173900); Inheritance information for this variant is not currently available in this individual.

Fulgent Genetics
Classification: Uncertain significance for Polycystic kidney disease, adult type. Last evaluated: 2024-04-18. Review status: criteria provided, single submitter. Criteria: ACMG Guidelines, 2015. Collection method: clinical testing. Allele origin: germline.